The following is an entry in ClinVar:

ClinVar aggregate classification (germline): Uncertain significance (1 of 4 stars; one submission).

Conditions:
Desmin-related myofibrillar myopathy (MFM1). Also called: MYOFIBRILLAR MYOPATHY WITH ARRHYTHMOGENIC RIGHT VENTRICULAR CARDIOMYOPATHY; DESMIN-RELATED MYOPATHY WITH ARRHYTHMOGENIC RIGHT VENTRICULAR CARDIOMYOPATHY; Desminopathy; Desmin related myopathy (former name); Desmin storage myopathy (former name); Myofibrillar myopathy 1. Identifiers: Orphanet 363543, Orphanet 98909, MedGen C1832370, MONDO:0011076, OMIM 601419.

Submission:

Labcorp Genetics (formerly Invitae), Labcorp
Classification: Uncertain significance for Desmin-related myofibrillar myopathy. Last evaluated: 2022-03-09. Review status: criteria provided, single submitter. Criteria: Invitae Variant Classification Sherloc (09022015). Collection method: clinical testing. Allele origin: germline.
Comment: In summary, the available evidence is currently insufficient to determine the role of this variant in disease. Therefore, it has been classified as a Variant of Uncertain Significance. Algorithms developed to predict the effect of missense changes on protein structure and function are either unavailable or do not agree on the potential impact of this missense change (SIFT: "Tolerated"; PolyPhen-2: "Not Available"; Align-GVGD: "Class C0"). ClinVar contains an entry for this variant (Variation ID: 654053). This variant has not been reported in the literature in individuals affected with DES-related conditions. This variant is not present in population databases (gnomAD no frequency). This sequence change replaces phenylalanine, which is neutral and non-polar, with serine, which is neutral and polar, at codon 35 of the DES protein (p.Phe35Ser).

NM_001927.4(DES):c.104T>C (p.Phe35Ser)

Gene: DES (desmin; plus strand). Cytogenetic location: 2q35.
Variant type: single nucleotide variant.
Coding change: c.104T>C on transcript NM_001927.4 (MANE Select); coding-DNA position 104, T replaced by C.
Protein change: p.Phe35Ser; replaces phenylalanine 35 with serine.
Molecular consequence: missense variant.
Genome position (GRCh38, 1-based): chr2:219,418,566, T>C. VCF-style: chr2-219418566-T-C. GRCh37 (hg19) VCF-style: chr2-220283288-T-C.
Other names: c.104T>C (LRG_380t1); short protein forms F35S.
Identifiers: ClinVar variation 654053 (VCV000654053.9), dbSNP rs1575012999, ClinGen allele CA350682911.